The following is an entry in ClinVar:

NM_000257.4(MYH7):c.1970A>C (p.Lys657Thr)

Gene: MYH7 (myosin heavy chain 7; minus strand). Cytogenetic location: 14q11.2.
Variant type: single nucleotide variant.
Coding change: c.1970A>C on transcript NM_000257.4 (MANE Select); coding-DNA position 1970, A replaced by C.
Protein change: p.Lys657Thr; replaces lysine 657 with threonine.
Molecular consequence: missense variant.
Genome position (GRCh38, 1-based): chr14:23,426,851, T>G on the plus strand (A>C on the coding strand, the complement: MYH7 is on the minus strand). VCF-style: chr14-23426851-T-G. GRCh37 (hg19) VCF-style: chr14-23896060-T-G.
Other names: c.1970A>C, p.Lys657Thr (NM_001407004.1); short protein forms K657T.
Identifiers: ClinVar variation 3895462 (VCV003895462.2).

ClinVar aggregate classification (germline): Conflicting classifications of pathogenicity. Review status: criteria provided, conflicting classifications (1 of 4 stars). 2 submissions from 2 submitters: Likely pathogenic (1); Uncertain significance (1). Last evaluated 2025-03-27.

Conditions:
Cardiovascular phenotype. Identifiers: MedGen CN230736.

Submissions (2):

Molecular Diagnostic Laboratory for Inherited Cardiovascular Disease, Montreal Heart Institute
Classification: Likely pathogenic for Cardiovascular phenotype. Last evaluated: 2025-03-27. Review status: criteria provided, single submitter. Criteria: ACMG Guidelines, 2015. Collection method: clinical testing. Allele origin: germline. Affected: yes.
Comment: PM1, PM2, PM5_supp, PP1, PP3

Blueprint Genetics
Classification: Uncertain significance. Last evaluated: 2022-04-12. Review status: criteria provided, single submitter. Criteria: ACMG Guidelines, 2015. Collection method: clinical testing. Allele origin: germline.